The following is an entry in ClinVar:

ClinVar aggregate classification (germline): Uncertain significance (1 of 4 stars; one submission).

Conditions:
Severe combined immunodeficiency due to DNA-PKcs deficiency. Also called: IMMUNODEFICIENCY 26 WITH NEUROLOGIC ABNORMALITIES; Immunodeficiency 26 with or without neurologic abnormalities. Identifiers: Orphanet 317425, MedGen C4014833, MONDO:0014423, OMIM 615966.

Allele frequency attached by ClinVar (database versions not stated): TOPMed below 0.00001.

Submission:

Labcorp Genetics (formerly Invitae), Labcorp
Classification: Uncertain significance for Severe combined immunodeficiency due to DNA-PKcs deficiency. Last evaluated: 2022-06-14. Review status: criteria provided, single submitter. Criteria: Invitae Variant Classification Sherloc (09022015). Collection method: clinical testing. Allele origin: germline.
Comment: In summary, the available evidence is currently insufficient to determine the role of this variant in disease. Therefore, it has been classified as a Variant of Uncertain Significance. Variants that disrupt the consensus splice site are a relatively common cause of aberrant splicing (PMID: 17576681, 9536098). Experimental studies and prediction algorithms are not available or were not evaluated, and the effect of this variant on mRNA splicing is currently unknown. This variant has not been reported in the literature in individuals affected with PRKDC-related conditions. This variant is not present in population databases (gnomAD no frequency). This sequence change falls in intron 64 of the PRKDC gene. It does not directly change the encoded amino acid sequence of the PRKDC protein. It affects a nucleotide within the consensus splice site.

Literature cited by the submitters: PubMed 17576681; PubMed 9536098.

NM_006904.7(PRKDC):c.8922+5A>G

Gene: PRKDC (protein kinase, DNA-activated, catalytic subunit; minus strand). Cytogenetic location: 8q11.21.
Variant type: single nucleotide variant.
Coding change: c.8922+5A>G on transcript NM_006904.7 (MANE Select); 5 bases into the intron after coding-DNA position 8922, A replaced by G.
Molecular consequence: intron variant.
Genome position (GRCh38, 1-based): chr8:47,823,853, T>C on the plus strand (A>G on the coding strand, the complement: PRKDC is on the minus strand). VCF-style: chr8-47823853-T-C. GRCh37 (hg19) VCF-style: chr8-48736414-T-C.
Other names: c.8922+5A>G (NM_001081640.2).
Identifiers: ClinVar variation 2155773 (VCV002155773.4), dbSNP rs2087664518, ClinGen allele CA1781845302.